The following is an entry in ClinVar:

NM_018136.5(ASPM):c.3395A>T (p.Glu1132Val)

Gene: ASPM (assembly factor for spindle microtubules; minus strand). Cytogenetic location: 1q31.3.
Variant type: single nucleotide variant.
Coding change: c.3395A>T on transcript NM_018136.5 (MANE Select); coding-DNA position 3395, A replaced by T.
Protein change: p.Glu1132Val; replaces glutamic acid 1132 with valine.
Molecular consequence: missense variant.
Genome position (GRCh38, 1-based): chr1:197,122,591, T>A on the plus strand (A>T on the coding strand, the complement: ASPM is on the minus strand). VCF-style: chr1-197122591-T-A. GRCh37 (hg19) VCF-style: chr1-197091721-T-A.
Other names: c.3395A>T, p.Glu1132Val (NM_001206846.2); short protein forms E1132V.
Identifiers: ClinVar variation 1397515 (VCV001397515.4), dbSNP rs1479404298, ClinGen allele CA344040878.

ClinVar aggregate classification (germline): Uncertain significance (1 of 4 stars; one submission).

Allele frequency attached by ClinVar (database versions not stated): gnomAD exomes below 0.00001; TOPMed below 0.00001.
gnomAD v4.1: 2 of 1,602,336 alleles (0.00012%); highest among the groups gnomAD compares: Non-Finnish European, 0.00017%; no homozygotes.

Submission:

Labcorp Genetics (formerly Invitae), Labcorp
Classification: Uncertain significance. Last evaluated: 2021-10-03. Review status: criteria provided, single submitter. Criteria: Invitae Variant Classification Sherloc (09022015). Collection method: clinical testing. Allele origin: germline.
Comment: In summary, the available evidence is currently insufficient to determine the role of this variant in disease. Therefore, it has been classified as a Variant of Uncertain Significance. Algorithms developed to predict the effect of sequence changes on RNA splicing suggest that this variant may create or strengthen a splice site. Algorithms developed to predict the effect of missense changes on protein structure and function are either unavailable or do not agree on the potential impact of this missense change (SIFT: "Deleterious"; PolyPhen-2: "Probably Damaging"; Align-GVGD: "Class C0"). This variant has not been reported in the literature in individuals affected with ASPM-related conditions. This variant is not present in population databases (ExAC no frequency). This sequence change replaces glutamic acid with valine at codon 1132 of the ASPM protein (p.Glu1132Val). The glutamic acid residue is highly conserved and there is a moderate physicochemical difference between glutamic acid and valine.